The following is an entry in ClinVar:

ClinVar aggregate classification (germline): Uncertain significance. Review status: criteria provided, multiple submitters, no conflicts (2 of 4 stars). 2 submissions from 2 submitters: Uncertain significance (2). Last evaluated 2024-02-09.

Conditions:
Epidermolysis bullosa simplex 3, localized or generalized intermediate, with BP230 deficiency (EBS3). Also called: Epidermolysis bullosa simplex due to BP230 deficiency; Epidermolysis bullosa simplex, autosomal recessive 2. Identifiers: Orphanet 412181, MedGen C3809470, MONDO:0014180, OMIM 615425.
Hereditary sensory and autonomic neuropathy type 6. Also called: HSAN VI; Neuropathy, hereditary sensory and autonomic, type VI. Identifiers: Orphanet 314381, MedGen C3539003, MONDO:0013839, OMIM 614653.

Allele frequency attached by ClinVar (database versions not stated): gnomAD exomes below 0.00001; TOPMed below 0.00001.
gnomAD v4.1: 3 of 1,613,898 alleles (0.00019%); highest among the groups gnomAD compares: Admixed American, 0.0033%; no homozygotes.

Submissions (2):

Labcorp Genetics (formerly Invitae), Labcorp
Classification: Uncertain significance for Epidermolysis bullosa simplex 3, localized or generalized intermediate, with BP230 deficiency; Hereditary sensory and autonomic neuropathy type 6. Last evaluated: 2024-02-09. Review status: criteria provided, single submitter. Criteria: Invitae Variant Classification Sherloc (09022015). Collection method: clinical testing. Allele origin: germline.
Comment: The DST gene has multiple clinically relevant transcripts. This variant occurs in alternate transcript NM_015548.4, and corresponds to NM_001723.5:c.*123190A>G in the primary transcript. This sequence change replaces lysine, which is basic and polar, with arginine, which is basic and polar, at codon 4263 of the DST protein (p.Lys4263Arg). This variant is present in population databases (no rsID available, gnomAD 0.003%). This variant has not been reported in the literature in individuals affected with DST-related conditions. Experimental studies and prediction algorithms are not available or were not evaluated, and the functional significance of this variant is currently unknown. In summary, the available evidence is currently insufficient to determine the role of this variant in disease. Therefore, it has been classified as a Variant of Uncertain Significance.

CeGaT Center for Human Genetics Tuebingen
Classification: Uncertain significance. Last evaluated: 2022-11-01. Review status: criteria provided, single submitter. Criteria: CeGaT Center For Human Genetics Tuebingen Variant Classification Criteria Version 2. Collection method: clinical testing. Allele origin: germline. Affected: yes. Observed: 1 variant allele.

NM_001374736.1(DST):c.20657A>G (p.Lys6886Arg)

Gene: DST (dystonin; minus strand). Cytogenetic location: 6p12.1.
Variant type: single nucleotide variant.
Coding change: c.20657A>G on transcript NM_001374736.1 (MANE Select); coding-DNA position 20657, A replaced by G.
Protein change: p.Lys6886Arg; replaces lysine 6886 with arginine.
Molecular consequence: missense variant.
Genome position (GRCh38, 1-based): chr6:56,492,327, T>C on the plus strand (A>G on the coding strand, the complement: DST is on the minus strand). VCF-style: chr6-56492327-T-C. GRCh37 (hg19) VCF-style: chr6-56357125-T-C.
Other names: c.14300A>G, p.Lys4767Arg (NM_001144769.5); c.13886A>G, p.Lys4629Arg (NM_001144770.2); c.20657A>G, p.Lys6886Arg (NM_001374722.1); c.19697A>G, p.Lys6566Arg (NM_001374729.1); c.13439A>G, p.Lys4480Arg (NM_001374730.1); c.20684A>G, p.Lys6895Arg (NM_001374734.1); c.13766A>G, p.Lys4589Arg (NM_001386100.1, NM_183380.4); c.12788A>G, p.Lys4263Arg (NM_015548.5); short protein forms K4263R, K4480R, K4589R, K4629R, K4767R, K6566R, K6886R, K6895R.
Identifiers: ClinVar variation 1879661 (VCV001879661.31), dbSNP rs1007978542, ClinGen allele CA139186750.